The following is an entry in ClinVar:

NM_002887.4(RARS1):c.220A>G (p.Ile74Val)

Gene: RARS1 (arginyl-tRNA synthetase 1; plus strand). Cytogenetic location: 5q34.
Variant type: single nucleotide variant.
Coding change: c.220A>G on transcript NM_002887.4 (MANE Select); coding-DNA position 220, A replaced by G.
Protein change: p.Ile74Val; replaces isoleucine 74 with valine.
Molecular consequence: missense variant.
Genome position (GRCh38, 1-based): chr5:168,492,698, A>G. VCF-style: chr5-168492698-A-G. GRCh37 (hg19) VCF-style: chr5-167919703-A-G.
Other names: short protein forms I74V.
Identifiers: ClinVar variation 1218441 (VCV001218441.14), dbSNP rs144947867, ClinGen allele CA3549561.
Genomic context (GRCh38, chr5:168,492,698, plus strand): 5'-GTTTCCATTCTTTTCCTACAGAGTCTTCAGGCAGAAAGGAACAAACCAACTAAAAATATG[A>G]TTAACATTATTAGCCGCCTACAAGAGGTCTTTGGTCATGCAATTAAGGCTGCATATCCAG-3'
Protein context (NP_002878.2, residues 64-84): AERNKPTKNM[Ile74Val]NIISRLQEVF

ClinVar aggregate classification (germline): Uncertain significance. Review status: criteria provided, multiple submitters, no conflicts (2 of 4 stars). 3 submissions from 3 submitters: Uncertain significance (3). Last evaluated 2024-11-24.

Conditions:
Inborn genetic diseases. Identifiers: MedGen C0950123, MeSH D030342.

Allele frequency attached by ClinVar (database versions not stated): gnomAD exomes 0.00005; ExAC 0.00007; 1000 Genomes Project 30x 0.00016; 1000 Genomes Project 0.00020; ESP Exome Variant Server 0.00031; TOPMed 0.00033; gnomAD 0.00034 and 0.00037.
gnomAD v4.1: 97 of 1,611,392 alleles (0.006%); highest among the groups gnomAD compares: African/African-American, 0.11%; no homozygotes.

Submissions (3):

Ambry Genetics
Classification: Uncertain significance for Inborn genetic diseases. Last evaluated: 2024-11-24. Review status: criteria provided, single submitter. Criteria: Ambry Variant Classification Scheme 2023. Collection method: clinical testing. Allele origin: germline.

Labcorp Genetics (formerly Invitae), Labcorp
Classification: Uncertain significance. Last evaluated: 2024-11-05. Review status: criteria provided, single submitter. Criteria: Invitae Variant Classification Sherloc (09022015). Collection method: clinical testing. Allele origin: germline.
Comment: This sequence change replaces isoleucine, which is neutral and non-polar, with valine, which is neutral and non-polar, at codon 74 of the RARS protein (p.Ile74Val). This variant is present in population databases (rs144947867, gnomAD 0.08%). This variant has not been reported in the literature in individuals affected with RARS-related conditions. ClinVar contains an entry for this variant (Variation ID: 1218441). An algorithm developed to predict the effect of missense changes on protein structure and function (PolyPhen-2) suggests that this variant is likely to be tolerated. In summary, the available evidence is currently insufficient to determine the role of this variant in disease. Therefore, it has been classified as a Variant of Uncertain Significance.

GeneDx
Classification: Uncertain significance. Last evaluated: 2024-09-13. Review status: criteria provided, single submitter. Criteria: GeneDx Variant Classification Process June 2021. Collection method: clinical testing. Allele origin: germline. Affected: yes.
Comment: Has not been previously published as pathogenic or benign to our knowledge; In silico analysis indicates that this missense variant does not alter protein structure/function